The following is an entry in ClinVar:

NM_001987.5(ETV6):c.1133G>A (p.Arg378Gln)

Genes: ETV6 (ETS variant transcription factor 6; plus strand), LOC126861452 (CDK7 strongly-dependent group 2 enhancer GRCh37_chr12:12037195-12038394; plus strand). Cytogenetic location: 12p13.2.
Variant type: single nucleotide variant.
Coding change: c.1133G>A on transcript NM_001987.5 (MANE Select); coding-DNA position 1133, G replaced by A.
Protein change: p.Arg378Gln; replaces arginine 378 with glutamine.
Molecular consequence: missense variant.
Genome position (GRCh38, 1-based): chr12:11,884,568, G>A. VCF-style: chr12-11884568-G-A. GRCh37 (hg19) VCF-style: chr12-12037502-G-A.
Other names: p.Arg378Gln; c.1133G>A (NM_001987.4); short protein forms R378Q.
Identifiers: ClinVar variation 1337035 (VCV001337035.18), dbSNP rs146280653, ClinGen allele CA6454404.

ClinVar aggregate classification (germline): Conflicting classifications of pathogenicity. Review status: criteria provided, conflicting classifications (1 of 4 stars). 6 submissions from 6 submitters: Uncertain significance (4); Likely benign (1). 1 of the submissions does not count toward it. Last evaluated 2026-01-28.

Conditions:
Inborn genetic diseases. Identifiers: MedGen C0950123, MeSH D030342.
ETV6-related disorder. Also called: ETV6-related condition.

Allele frequency attached by ClinVar (database versions not stated): gnomAD exomes 0.00007 and 0.00012; ExAC 0.00014; ESP Exome Variant Server 0.00015; gnomAD 0.00006; TOPMed 0.00006.
gnomAD v4.1: 120 of 1,613,926 alleles (0.0074%); highest among the groups gnomAD compares: Non-Finnish European, 0.0022%; no homozygotes.

Submissions (6):

Labcorp Genetics (formerly Invitae), Labcorp
Classification: Likely benign. Last evaluated: 2026-01-28. Review status: criteria provided, single submitter. Criteria: Invitae Variant Classification Sherloc (09022015). Collection method: clinical testing. Allele origin: germline.

Ambry Genetics
Classification: Uncertain significance for Inborn genetic diseases. Last evaluated: 2025-12-19. Review status: criteria provided, single submitter. Criteria: Ambry Variant Classification Scheme 2023. Collection method: clinical testing. Allele origin: germline.
Comment: The p.R378Q variant (also known as c.1133G>A), located in coding exon 6 of the ETV6 gene, results from a G to A substitution at nucleotide position 1133. The arginine at codon 378 is replaced by glutamine, an amino acid with highly similar properties. This amino acid position is highly conserved in available vertebrate species. In addition, the in silico prediction for this alteration is inconclusive. Based on the available evidence, the clinical significance of this variant remains unclear.

GeneDx
Classification: Uncertain significance. Last evaluated: 2025-06-11. Review status: criteria provided, single submitter. Criteria: GeneDx Variant Classification Process June 2021. Collection method: clinical testing. Allele origin: germline. Affected: yes.
Comment: Published functional studies support no impact on function: demonstrates repressive function and cellular localization comparable to wild type (PMID: 40004441); Identified in an individual with thrombocytopenia in published literature (PMID: 40004441); In silico analysis supports that this missense variant has a deleterious effect on protein structure/function; This variant is associated with the following publications: (PMID: 28555414, 28637624, 40004441)

Mayo Clinic Laboratories, Mayo Clinic
Classification: Uncertain significance. Last evaluated: 2024-12-17. Review status: criteria provided, single submitter. Criteria: ACMG Guidelines, 2015. Collection method: clinical testing. Allele origin: germline. Observed: 1 variant allele.
Comment: BS3, PM1

Genetic Services Laboratory, University of Chicago
Classification: Uncertain significance. Last evaluated: 2021-04-07. Review status: criteria provided, single submitter. Criteria: ACMG Guidelines, 2015. Collection method: clinical testing. Allele origin: germline. Affected: no.
Comment: DNA sequence analysis of the ETV6 gene demonstrated a sequence change, c.1133G>A, in exon 6 that results in an amino acid change, p.Arg378Gln. This sequence change does not appear to have been previously described in individuals with ETV6-related disorders. This sequence change has been described in the gnomAD database with a low frequency of 0.26% in Ashkenazi Jewish subpopulation (dbSNP rs146280653). The p.Arg378Gln change affects a highly conserved amino acid residue located in the ETS domain of the ETV6 protein. In-silico pathogenicity prediction tools (SIFT, PolyPhen2, Align GVGD, REVEL) provide contradictory results for the p.Arg378Gln substitution. Due to these contrasting evidences and the lack of functional studies, the clinical significance of the p.Arg378Gln change remains unknown at this time.

PreventionGenetics, part of Exact Sciences
Classification: Likely benign for ETV6-related condition. Last evaluated: 2023-10-12. Review status: no assertion criteria provided. Collection method: clinical testing. Allele origin: germline. Not counted in ClinVar's aggregate classification.
Comment: This variant is classified as likely benign based on ACMG/AMP sequence variant interpretation guidelines (Richards et al. 2015 PMID: 25741868, with internal and published modifications).

Literature cited by the submitters: PubMed 31256854 (cited by Mayo Clinic Laboratories, Mayo Clinic); PubMed 32693409 (cited by Mayo Clinic Laboratories, Mayo Clinic); PubMed 37586297 (cited by Mayo Clinic Laboratories, Mayo Clinic).